The following is an entry in ClinVar:

NM_003172.4(SURF1):c.688C>T (p.Arg230Ter)

Gene: SURF1 (SURF1 cytochrome c oxidase assembly factor; minus strand). Cytogenetic location: 9q34.2.
Variant type: single nucleotide variant.
Coding change: c.688C>T on transcript NM_003172.4 (MANE Select); coding-DNA position 688, C replaced by T.
Protein change: p.Arg230Ter; replaces arginine 230 with a stop codon.
Molecular consequence: nonsense.
Genome position (GRCh38, 1-based): chr9:133,352,509, G>A on the plus strand (C>T on the coding strand, the complement: SURF1 is on the minus strand). VCF-style: chr9-133352509-G-A. GRCh37 (hg19) VCF-style: chr9-136219364-G-A.
Other names: c.361C>T, p.Arg121Ter (NM_001280787.1); short protein forms R230*, R121*.
Identifiers: ClinVar variation 280010 (VCV000280010.17), dbSNP rs782623477, ClinGen allele CA10603164.

ClinVar aggregate classification (germline): Pathogenic. Review status: criteria provided, multiple submitters, no conflicts (2 of 4 stars). 5 submissions from 5 submitters: Pathogenic (5). Last evaluated 2026-01-19.

Conditions:
Leigh syndrome (NULS). Also called: LEIGH SYNDROME, NUCLEAR; Leigh Syndrome (mtDNA deletion); Leigh's syndrome; Leigh Disease; Subacute necrotizing encephalopathy; Necrotizing encephalopathy infantile subacute of Leigh. Identifiers: Orphanet 506, MedGen C2931891, MONDO:0009723, OMIM 256000.
Mitochondrial complex IV deficiency, nuclear type 1 (MC4DN1). Also called: Complex 4 mitochondrial respiratory chain deficiency; Deficiency of mitochondrial respiratory chain complex4; Complex IV deficiency; Mitochondrial complex IV deficiency; COX DEFICIENCY. Identifiers: MedGen C5435656, MONDO:0700250, OMIM 220110. Disease mechanism: loss of function.
Charcot-Marie-Tooth disease type 4K. Also called: CHARCOT-MARIE-TOOTH DISEASE, DEMYELINATING, AUTOSOMAL RECESSIVE, TYPE 4K; CHARCOT-MARIE-TOOTH NEUROPATHY, DEMYELINATING, AUTOSOMAL RECESSIVE, TYPE 4K; CHARCOT-MARIE-TOOTH DISEASE, DEMYELINATING, TYPE 4K. Identifiers: Orphanet 391351, MedGen C4225246, MONDO:0014733, OMIM 616684.

Allele frequency attached by ClinVar (database versions not stated): gnomAD exomes 0.00005 and 0.00011; gnomAD 0.00007; TOPMed 0.00007; ExAC 0.00016.

Submissions (5):

Labcorp Genetics (formerly Invitae), Labcorp
Classification: Pathogenic for Leigh syndrome. Last evaluated: 2026-01-19. Review status: criteria provided, single submitter. Criteria: Invitae Variant Classification Sherloc (09022015). Collection method: clinical testing. Allele origin: germline.
Comment: This sequence change creates a premature translational stop signal (p.Arg230*) in the SURF1 gene. It is expected to result in an absent or disrupted protein product. Loss-of-function variants in SURF1 are known to be pathogenic (PMID: 10443880, 22488715, 24027061). This variant is present in population databases (rs782623477, gnomAD 0.02%). This premature translational stop signal has been observed in individual(s) with Leigh syndrome (PMID: 10558868, 10746561, 14557577, 24462369). It has also been observed to segregate with disease in related individuals. This variant is also known as c.702T>C. ClinVar contains an entry for this variant (Variation ID: 280010). Algorithms developed to predict the effect of sequence changes on RNA splicing suggest that this variant may disrupt the consensus splice site. For these reasons, this variant has been classified as Pathogenic.

Fulgent Genetics
Classification: Pathogenic for Mitochondrial complex IV deficiency, nuclear type 1; Charcot-Marie-Tooth disease type 4K. Last evaluated: 2024-04-12. Review status: criteria provided, single submitter. Criteria: ACMG Guidelines, 2015. Collection method: clinical testing. Allele origin: germline.

GeneDx
Classification: Pathogenic. Last evaluated: 2022-01-26. Review status: criteria provided, single submitter. Criteria: GeneDx Variant Classification Process June 2021. Collection method: clinical testing. Allele origin: germline. Affected: yes.
Comment: Reported previously in association with autosomal recessive Leigh syndrome due to COX deficiency (Coenen et al., 1999; Pecina et al., 2003; Wedatilake et al., 2013); Published functional studies demonstrate a damaging effect as this variant is associated with reduced COX complexes and accumulation of incomplete COX assemblies (Pecina et al., 2003); Nonsense variant predicted to result in protein truncation or nonsense mediated decay in a gene for which loss-of-function is a known mechanism of disease; This variant is associated with the following publications: (PMID: 18583168, 25525159, 23829769, 16083427, 10558868, 12943968, 14557577, 10746561, 24462369)

Women's Health and Genetics/Laboratory Corporation of America, LabCorp
Classification: Pathogenic for Leigh syndrome. Last evaluated: 2020-04-24. Review status: criteria provided, single submitter. Criteria: LabCorp Variant Classification Summary - May 2015. Collection method: clinical testing. Allele origin: germline.
Comment: Variant summary: SURF1 c.688C>T (p.Arg230X) results in a premature termination codon, predicted to cause a truncation of the encoded protein or absence of the protein due to nonsense mediated decay, which are commonly known mechanisms for disease. Truncations downstream of this position have been classified as pathogenic by our laboratory. The variant allele was found at a frequency of 0.00011 in 251462 control chromosomes. This frequency is not significantly higher than expected for a pathogenic variant in SURF1 causing Leigh Syndrome (0.00011 vs 0.0018). c.688C>T has been reported in the literature in multiple individuals affected with Leigh Syndrome (eg. Coenen_1999, Pieutowska-Abramczuk_2009, Wedatilake_2013, Tay_2005). These data indicate that the variant is very likely to be associated with disease. To our knowledge, no experimental evidence demonstrating an impact on protein function has been reported. Two clinical diagnostic laboratories have submitted clinical-significance assessments for this variant to ClinVar after 2014 without evidence for independent evaluation. All laboratories classified the variant as pathogenic. Based on the evidence outlined above, the variant was classified as pathogenic.

Revvity Omics, Revvity
Classification: Pathogenic. Last evaluated: 2019-01-25. Review status: criteria provided, single submitter. Criteria: ACMG Guidelines, 2015. Collection method: clinical testing. Allele origin: germline.

Literature cited by the submitters: PubMed 10443880 (cited by Labcorp Genetics (formerly Invitae), Labcorp); PubMed 22488715 (cited by Labcorp Genetics (formerly Invitae), Labcorp); PubMed 24027061 (cited by Labcorp Genetics (formerly Invitae), Labcorp); PubMed 10558868 (cited by Labcorp Genetics (formerly Invitae), Labcorp and Women's Health and Genetics/Laboratory Corporation of America, LabCorp); PubMed 10746561 (cited by Labcorp Genetics (formerly Invitae), Labcorp); PubMed 14557577 (cited by Labcorp Genetics (formerly Invitae), Labcorp); PubMed 24462369 (cited by Labcorp Genetics (formerly Invitae), Labcorp); PubMed 23829769 (cited by Women's Health and Genetics/Laboratory Corporation of America, LabCorp); PubMed 18583168 (cited by Women's Health and Genetics/Laboratory Corporation of America, LabCorp); PubMed 16225813 (cited by Women's Health and Genetics/Laboratory Corporation of America, LabCorp).